The following is an entry in ClinVar:

NM_000426.4(LAMA2):c.8858-2A>G

Gene: LAMA2 (laminin subunit alpha 2; plus strand). Cytogenetic location: 6q22.33.
Variant type: single nucleotide variant.
Coding change: c.8858-2A>G on transcript NM_000426.4 (MANE Select); the canonical splice acceptor site of the intron before coding-DNA position 8858, A replaced by G.
Molecular consequence: splice acceptor variant.
Genome position (GRCh38, 1-based): chr6:129,512,361, A>G. VCF-style: chr6-129512361-A-G. GRCh37 (hg19) VCF-style: chr6-129833506-A-G.
Other names: c.8846-2A>G (NM_001079823.2).
Identifiers: ClinVar variation 3350172 (VCV003350172.1).

ClinVar aggregate classification (germline): Likely pathogenic (0 of 4 stars; one submission).

Conditions:
LAMA2-related disorder. Also called: LAMA2-related disorders; LAMA2-related condition.

Submission:

PreventionGenetics, part of Exact Sciences
Classification: Likely pathogenic for LAMA2-related condition. Last evaluated: 2024-03-13. Review status: no assertion criteria provided. Collection method: clinical testing. Allele origin: germline.
Comment: The LAMA2 c.8858-2A>G variant is predicted to disrupt the AG splice acceptor site and interfere with normal splicing. To our knowledge, this variant has not been reported in the literature or in a large population database, indicating this variant is rare. Variants that disrupt the consensus splice acceptor site in LAMA2 are expected to be pathogenic. This variant is interpreted as likely pathogenic.